The following is an entry in ClinVar:

ClinVar aggregate classification (germline): Conflicting classifications of pathogenicity. Review status: criteria provided, conflicting classifications (1 of 4 stars). 3 submissions from 3 submitters: Uncertain significance (2); Benign (1). Last evaluated 2026-01-16.

Allele frequency attached by ClinVar (database versions not stated): gnomAD 0.00011; TOPMed 0.00019; ESP Exome Variant Server 0.00025; ExAC 0.00028.
gnomAD v4.1: 88 of 1,613,872 alleles (0.0055%); highest among the groups gnomAD compares: Admixed American, 0.092%; no homozygotes.

Submissions (3):

Labcorp Genetics (formerly Invitae), Labcorp
Classification: Benign. Last evaluated: 2026-01-16. Review status: criteria provided, single submitter. Criteria: Invitae Variant Classification Sherloc (09022015). Collection method: clinical testing. Allele origin: germline.

Revvity Omics, Revvity
Classification: Uncertain significance. Last evaluated: 2024-10-21. Review status: criteria provided, single submitter. Criteria: ACMG Guidelines, 2015. Collection method: clinical testing. Allele origin: germline.

Mayo Clinic Laboratories, Mayo Clinic
Classification: Uncertain significance. Last evaluated: 2022-07-12. Review status: criteria provided, single submitter. Criteria: ACMG Guidelines, 2015. Collection method: clinical testing. Allele origin: germline. Observed: 1 variant allele.
Comment: BP4

NM_003126.4(SPTA1):c.1342C>T (p.Arg448Trp)

Gene: SPTA1 (spectrin alpha, erythrocytic 1; minus strand). Cytogenetic location: 1q23.1.
Variant type: single nucleotide variant.
Coding change: c.1342C>T on transcript NM_003126.4 (MANE Select); coding-DNA position 1342, C replaced by T.
Protein change: p.Arg448Trp; replaces arginine 448 with tryptophan.
Molecular consequence: missense variant.
Genome position (GRCh38, 1-based): chr1:158,674,337, G>A on the plus strand (C>T on the coding strand, the complement: SPTA1 is on the minus strand). VCF-style: chr1-158674337-G-A. GRCh37 (hg19) VCF-style: chr1-158644127-G-A.
Other names: p.Arg448Trp; c.1342C>T (NM_003126.2); short protein forms R448W.
Identifiers: ClinVar variation 2436324 (VCV002436324.5), dbSNP rs199930162, ClinGen allele CA1183825.
Genomic context (GRCh38, chr1:158,674,337, plus strand): 5'-TAATGACTACATATATAATTGGAATTTGACAAACTCTGTTAAACTAGATTACCTTTTCCC[G>A]AACTTCATCAGAGGCTTCATGATTGGCATTCACGAGGTCTTGACCAGTCTCATCAGCAGA-3'
Protein context (NP_003117.2, residues 438-458): NANHEASDEV[Arg448Trp]EKMEILDNNW